The following is an entry in ClinVar:

NM_000022.4(ADA):c.975+2T>C

Gene: ADA (adenosine deaminase; minus strand). Cytogenetic location: 20q13.12.
Variant type: single nucleotide variant.
Coding change: c.975+2T>C on transcript NM_000022.4 (MANE Select); the canonical splice donor site of the intron after coding-DNA position 975, T replaced by C.
Molecular consequence: splice donor variant.
Genome position (GRCh38, 1-based): chr20:44,621,016, A>G on the plus strand (T>C on the coding strand, the complement: ADA is on the minus strand). VCF-style: chr20-44621016-A-G. GRCh37 (hg19) VCF-style: chr20-43249657-A-G.
Other names: c.570+2T>C (NM_001322050.2); c.903+2T>C (NM_001322051.2).
Identifiers: ClinVar variation 2910465 (VCV002910465.3), dbSNP rs2516161339, ClinGen allele CA409118693.
Genomic context (GRCh38, chr20:44,621,016, plus strand): 5'-GGACCTGTAGATACCATACTCCCAAACCCGAGTCAAGGCCAGTATGGCTCACACCCACTC[A>G]CCAGCCTTTTAAACTCCTCTTCAGTAAAGCCCATGTCCCGTTTGGTCATCTGGTAATCAG-3'

ClinVar aggregate classification (germline): Pathogenic (1 of 4 stars; one submission).

Conditions:
Severe combined immunodeficiency, autosomal recessive, T cell-negative, B cell-negative, NK cell-negative, due to adenosine deaminase deficiency. Also called: ADA-SCID; SCID DUE TO ADA DEFICIENCY; SCID DUE TO ADA DEFICIENCY, EARLY-ONSET; ADA deficiency; Adenosine deaminase deficient severe combined immunodeficiency; Severe combined immunodeficiency due to ADA deficiency. Identifiers: Orphanet 277, MedGen C0392607, MONDO:0007064, OMIM 102700.

Submission:

Labcorp Genetics (formerly Invitae), Labcorp
Classification: Pathogenic for Severe combined immunodeficiency, autosomal recessive, T cell-negative, B cell-negative, NK cell-negative, due to adenosine deaminase deficiency. Last evaluated: 2022-11-29. Review status: criteria provided, single submitter. Criteria: Invitae Variant Classification Sherloc (09022015). Collection method: clinical testing. Allele origin: germline.
Comment: Disruption of this splice site has been observed in individual(s) with severe combined immunodeficiency (PMID: 29744787, 33628209). For these reasons, this variant has been classified as Pathogenic. Algorithms developed to predict the effect of sequence changes on RNA splicing suggest that this variant may disrupt the consensus splice site. This variant is not present in population databases (gnomAD no frequency). This sequence change affects a donor splice site in intron 10 of the ADA gene. It is expected to disrupt RNA splicing. Variants that disrupt the donor or acceptor splice site typically lead to a loss of protein function (PMID: 16199547), and loss-of-function variants in ADA are known to be pathogenic (PMID: 26255240, 26376800).

Literature cited by the submitters: PubMed 29744787; PubMed 33628209; PubMed 16199547; PubMed 26255240; PubMed 26376800.